The following is an entry in ClinVar:

NM_016247.4(IMPG2):c.1451T>C (p.Leu484Ser)

Gene: IMPG2 (interphotoreceptor matrix proteoglycan 2; minus strand). Cytogenetic location: 3q12.3.
Variant type: single nucleotide variant.
Coding change: c.1451T>C on transcript NM_016247.4 (MANE Select); coding-DNA position 1451, T replaced by C.
Protein change: p.Leu484Ser; replaces leucine 484 with serine.
Molecular consequence: missense variant.
Genome position (GRCh38, 1-based): chr3:101,245,894, A>G on the plus strand (T>C on the coding strand, the complement: IMPG2 is on the minus strand). VCF-style: chr3-101245894-A-G. GRCh37 (hg19) VCF-style: chr3-100964738-A-G.
Other names: short protein forms L484S.
Identifiers: ClinVar variation 1022247 (VCV001022247.9), dbSNP rs549573282, ClinGen allele CA2519163.

ClinVar aggregate classification (germline): Uncertain significance (1 of 4 stars; one submission).

Allele frequency attached by ClinVar (database versions not stated): gnomAD exomes below 0.00001; ExAC 0.00001; gnomAD 0.00001; 1000 Genomes Project 30x 0.00016; 1000 Genomes Project 0.00020.
gnomAD v4.1: 2 of 1,614,214 alleles (0.00012%); highest among the groups gnomAD compares: South Asian, 0.0011%; no homozygotes.

Submission:

Labcorp Genetics (formerly Invitae), Labcorp
Classification: Uncertain significance. Last evaluated: 2022-11-08. Review status: criteria provided, single submitter. Criteria: Invitae Variant Classification Sherloc (09022015). Collection method: clinical testing. Allele origin: germline.
Comment: ClinVar contains an entry for this variant (Variation ID: 1022247). In summary, the available evidence is currently insufficient to determine the role of this variant in disease. Therefore, it has been classified as a Variant of Uncertain Significance. Algorithms developed to predict the effect of sequence changes on RNA splicing suggest that this variant may disrupt the consensus splice site. Advanced modeling of protein sequence and biophysical properties (such as structural, functional, and spatial information, amino acid conservation, physicochemical variation, residue mobility, and thermodynamic stability) performed at Invitae indicates that this missense variant is not expected to disrupt IMPG2 protein function. This variant has not been reported in the literature in individuals affected with IMPG2-related conditions. This variant is present in population databases (rs549573282, gnomAD 0.003%). This sequence change replaces leucine, which is neutral and non-polar, with serine, which is neutral and polar, at codon 484 of the IMPG2 protein (p.Leu484Ser).